The following is an entry in ClinVar:

NC_000009.11:g.(?_133932296)_(133932554_?)del

Gene: LAMC3 (laminin subunit gamma 3; plus strand). Cytogenetic location: 9q34.12.
Variant type: Deletion.
Identifiers: ClinVar variation 2425480 (VCV002425480.4).

ClinVar aggregate classification (germline): Uncertain significance (1 of 4 stars; one submission).

Submission:

Labcorp Genetics (formerly Invitae), Labcorp
Classification: Uncertain significance. Last evaluated: 2022-08-23. Review status: criteria provided, single submitter. Criteria: Invitae Variant Classification Sherloc (09022015). Collection method: clinical testing. Allele origin: germline.
Comment: In summary, the available evidence is currently insufficient to determine the role of this variant in disease. Therefore, it has been classified as a Variant of Uncertain Significance. This variant is a gross deletion of the genomic region encompassing exon(s) 12 of the LAMC3 gene. This variant would be expected to be in-frame, preserving the integrity of the reading frame. This variant has not been reported in the literature in individuals affected with LAMC3-related conditions. Experimental studies and prediction algorithms are not available or were not evaluated, and the functional significance of this variant is currently unknown.